The following is an entry in ClinVar:

NM_002076.4(GNS):c.276C>A (p.Cys92Ter)

Gene: GNS (glucosamine (N-acetyl)-6-sulfatase; minus strand). Cytogenetic location: 12q14.3.
Variant type: single nucleotide variant.
Coding change: c.276C>A on transcript NM_002076.4 (MANE Select); coding-DNA position 276, C replaced by A.
Protein change: p.Cys92Ter; replaces cysteine 92 with a stop codon.
Molecular consequence: nonsense.
Genome position (GRCh38, 1-based): chr12:64,747,895, G>T on the plus strand (C>A on the coding strand, the complement: GNS is on the minus strand). VCF-style: chr12-64747895-G-T. GRCh37 (hg19) VCF-style: chr12-65141675-G-T.
Other names: short protein forms C92*.
Identifiers: ClinVar variation 4724139 (VCV004724139.1).
Genomic context (GRCh38, chr12:64,747,895, plus strand): 5'-GTTGTTCACAACGTGATGATTATGTGGGTACTTTCCTGTCAGGATACTGGCTCTGCTGGG[G>T]CAGCAGAGAGCACTTGGCACATACTACAAAGGAAAGGAAGCAAAAACGACAAAGTCACAC-3'

ClinVar aggregate classification (germline): Pathogenic (1 of 4 stars; one submission).

Conditions:
Mucopolysaccharidosis, MPS-III-D (MPS3D). Also called: N-ACETYLGLUCOSAMINE-6-SULFATASE DEFICIENCY; SANFILIPPO SYNDROME D; MPS III D; Mucopoly-saccharidosis type 3D; N-acetylglucosamine-6-sulfate sulfatase deficiency; MPS 3D. Identifiers: Orphanet 581, Orphanet 79272, MedGen C0086650, MONDO:0009658, OMIM 252940.

Submission:

Labcorp Genetics (formerly Invitae), Labcorp
Classification: Pathogenic for Mucopolysaccharidosis, MPS-III-D. Last evaluated: 2025-07-27. Review status: criteria provided, single submitter. Criteria: Invitae Variant Classification Sherloc (09022015). Collection method: clinical testing. Allele origin: germline.
Comment: This sequence change creates a premature translational stop signal (p.Cys92*) in the GNS gene. It is expected to result in an absent or disrupted protein product. Loss-of-function variants in GNS are known to be pathogenic (PMID: 20232353). This variant is not present in population databases (gnomAD no frequency). This variant has not been reported in the literature in individuals affected with GNS-related conditions. For these reasons, this variant has been classified as Pathogenic.

Literature cited by the submitters: PubMed 20232353.